The following is an entry in ClinVar:

NM_005732.4(RAD50):c.428C>A (p.Ser143Tyr)

Gene: RAD50 (RAD50 double strand break repair protein; plus strand). Cytogenetic location: 5q31.1.
Variant type: single nucleotide variant.
Coding change: c.428C>A on transcript NM_005732.4 (MANE Select); coding-DNA position 428, C replaced by A.
Protein change: p.Ser143Tyr; replaces serine 143 with tyrosine.
Molecular consequence: missense variant.
Genome position (GRCh38, 1-based): chr5:132,579,379, C>A. VCF-style: chr5-132579379-C-A. GRCh37 (hg19) VCF-style: chr5-131915071-C-A.
Other names: short protein forms S143Y.
Identifiers: ClinVar variation 653355 (VCV000653355.15), dbSNP rs754302772, ClinGen allele CA3404983.
Genomic context (GRCh38, chr5:132,579,379, plus strand): 5'-ATGGTGAAAAGGTCAGTCTGAGCTCTAAGTGTGCAGAAATTGACCGAGAAATGATCAGTT[C>A]TCTTGGGGTTTCCAAGGCTGTGCTAAATAATGTCATTTTCTGTCATCAAGAAGATTCTAA-3'
Protein context (NP_005723.2, residues 133-153): CAEIDREMIS[Ser143Tyr]LGVSKAVLNN

ClinVar aggregate classification (germline): Uncertain significance. Review status: criteria provided, multiple submitters, no conflicts (2 of 4 stars). 3 submissions from 3 submitters: Uncertain significance (3). Last evaluated 2024-02-16.

Conditions:
Hereditary cancer-predisposing syndrome. Also called: Neoplastic Syndromes, Hereditary; Tumor predisposition; Hereditary Cancer Syndrome; Hereditary neoplastic syndrome. Identifiers: Orphanet 140162, MedGen C0027672, MeSH D009386, MONDO:0015356.
Nijmegen breakage syndrome-like disorder (NBSLD). Also called: MICROCEPHALY AND SPONTANEOUS CHROMOSOME INSTABILITY WITHOUT IMMUNODEFICIENCY; NBS-LIKE DISORDER; RAD50 DEFICIENCY. Identifiers: Orphanet 240760, MedGen C2751318, MONDO:0013118, OMIM 613078.

Allele frequency attached by ClinVar (database versions not stated): gnomAD exomes 0.00001; ExAC 0.00002.
gnomAD v4.1: 3 of 1,613,944 alleles (0.00019%); highest among the groups gnomAD compares: Admixed American, 0.0033%; no homozygotes.

Submissions (3):

Ambry Genetics
Classification: Uncertain significance for Hereditary cancer-predisposing syndrome. Last evaluated: 2024-02-16. Review status: criteria provided, single submitter. Criteria: Ambry Variant Classification Scheme 2023. Collection method: clinical testing. Allele origin: germline.
Comment: The p.S143Y variant (also known as c.428C>A), located in coding exon 4 of the RAD50 gene, results from a C to A substitution at nucleotide position 428. The serine at codon 143 is replaced by tyrosine, an amino acid with dissimilar properties. This amino acid position is not well conserved in available vertebrate species. In addition, this alteration is predicted to be tolerated by in silico analysis. Since supporting evidence is limited at this time, the clinical significance of this alteration remains unclear.

Baylor Genetics
Classification: Uncertain significance for Nijmegen breakage syndrome-like disorder. Last evaluated: 2024-01-17. Review status: criteria provided, single submitter. Criteria: ACMG Guidelines, 2015. Collection method: clinical testing. Allele origin: unknown.

Labcorp Genetics (formerly Invitae), Labcorp
Classification: Uncertain significance for Hereditary cancer-predisposing syndrome. Last evaluated: 2023-07-18. Review status: criteria provided, single submitter. Criteria: Invitae Variant Classification Sherloc (09022015). Collection method: clinical testing. Allele origin: germline.
Comment: In summary, the available evidence is currently insufficient to determine the role of this variant in disease. Therefore, it has been classified as a Variant of Uncertain Significance. Advanced modeling of protein sequence and biophysical properties (such as structural, functional, and spatial information, amino acid conservation, physicochemical variation, residue mobility, and thermodynamic stability) performed at Invitae indicates that this missense variant is not expected to disrupt RAD50 protein function. ClinVar contains an entry for this variant (Variation ID: 653355). This variant has not been reported in the literature in individuals affected with RAD50-related conditions. This variant is present in population databases (rs754302772, gnomAD 0.006%). This sequence change replaces serine, which is neutral and polar, with tyrosine, which is neutral and polar, at codon 143 of the RAD50 protein (p.Ser143Tyr).